The following is an entry in ClinVar:

ClinVar aggregate classification (germline): Uncertain significance (1 of 4 stars; one submission).

gnomAD v4.1: 2 of 1,613,212 alleles (0.00012%); highest among the groups gnomAD compares: Admixed American, 0.0017%; no homozygotes.

Submission:

CeGaT Center for Human Genetics Tuebingen
Classification: Uncertain significance. Last evaluated: 2025-08-01. Review status: criteria provided, single submitter. Criteria: CeGaT Center For Human Genetics Tuebingen Variant Classification Criteria Version 2. Collection method: clinical testing. Allele origin: germline. Affected: yes. Observed: 1 variant allele.
Comment: ADNP: PS2:Moderate, PP2

NM_001282531.3(ADNP):c.281G>A (p.Arg94His)

Gene: ADNP (activity dependent neuroprotector homeobox; minus strand). Cytogenetic location: 20q13.13.
Variant type: single nucleotide variant.
Coding change: c.281G>A on transcript NM_001282531.3 (MANE Select); coding-DNA position 281, G replaced by A.
Protein change: p.Arg94His; replaces arginine 94 with histidine.
Molecular consequence: missense variant. On other transcripts: 5 prime UTR variant (1).
Genome position (GRCh38, 1-based): chr20:50,894,433, C>T on the plus strand (G>A on the coding strand, the complement: ADNP is on the minus strand). VCF-style: chr20-50894433-C-T. GRCh37 (hg19) VCF-style: chr20-49510970-C-T.
Other names: c.281G>A, p.Arg94His (NM_001282532.2, NM_001347511.2, NM_015339.5 and 1 more transcripts); c.497G>A, p.Arg166His (NM_001439000.1); c.-404G>A (NM_001439001.1); short protein forms R166H, R94H.
Identifiers: ClinVar variation 4085397 (VCV004085397.8).